The following is an entry in ClinVar:

NM_001378454.1(ALMS1):c.8922A>G (p.Pro2974=)

Gene: ALMS1 (ALMS1 centrosome and basal body associated protein; plus strand). Cytogenetic location: 2p13.1.
Variant type: single nucleotide variant.
Coding change: c.8922A>G on transcript NM_001378454.1 (MANE Select); coding-DNA position 8922, A replaced by G.
Protein change: p.Pro2974=; no amino-acid change (proline 2974 retained).
Molecular consequence: synonymous variant.
Genome position (GRCh38, 1-based): chr2:73,490,881, A>G. VCF-style: chr2-73490881-A-G. GRCh37 (hg19) VCF-style: chr2-73718008-A-G.
Other names: c.8925A>G, p.Pro2975= (NM_015120.4).
Identifiers: ClinVar variation 2846327 (VCV002846327.4), dbSNP rs1456158904, ClinGen allele CA427015385.

ClinVar aggregate classification (germline): Likely benign. Review status: criteria provided, multiple submitters, no conflicts (2 of 4 stars). 2 submissions from 2 submitters: Likely benign (2). Last evaluated 2025-08-15.

Conditions:
Alstrom syndrome (ALMS). Identifiers: Orphanet 64, MedGen C0268425, MONDO:0008763, OMIM 203800.
ALMS1-related disorder. Also called: ALMS1-related condition.

Allele frequency attached by ClinVar (database versions not stated): gnomAD exomes below 0.00001.
gnomAD v4.1: 1 of 1,614,190 alleles (0.000062%); highest among the groups gnomAD compares: Non-Finnish European, 0.000085%; no homozygotes.

Submissions (2):

PreventionGenetics, part of Exact Sciences
Classification: Likely benign for ALMS1-related condition. Last evaluated: 2025-08-15. Review status: criteria provided, single submitter. Criteria: ACMG Guidelines, 2015. Collection method: clinical testing. Allele origin: germline.
Comment: This variant is classified as likely benign based on ACMG/AMP sequence variant interpretation guidelines (Richards et al. 2015 PMID: 25741868, with internal and published modifications).

Labcorp Genetics (formerly Invitae), Labcorp
Classification: Likely benign for Alstrom syndrome. Last evaluated: 2025-01-06. Review status: criteria provided, single submitter. Criteria: Invitae Variant Classification Sherloc (09022015). Collection method: clinical testing. Allele origin: germline.